The following is an entry in ClinVar:

NM_001129.5(AEBP1):c.841C>T (p.Pro281Ser)

Gene: AEBP1 (AE binding protein 1; plus strand). Cytogenetic location: 7p13.
Variant type: single nucleotide variant.
Coding change: c.841C>T on transcript NM_001129.5 (MANE Select); coding-DNA position 841, C replaced by T.
Protein change: p.Pro281Ser; replaces proline 281 with serine.
Molecular consequence: missense variant.
Genome position (GRCh38, 1-based): chr7:44,107,910, C>T. VCF-style: chr7-44107910-C-T. GRCh37 (hg19) VCF-style: chr7-44147509-C-T.
Other names: short protein forms P281S.
Identifiers: ClinVar variation 2745752 (VCV002745752.3), dbSNP rs1264855392, ClinGen allele CA367359780.

ClinVar aggregate classification (germline): Uncertain significance (1 of 4 stars; one submission).

Allele frequency attached by ClinVar (database versions not stated): gnomAD 0.00001.
gnomAD v4.1: 4 of 1,592,178 alleles (0.00025%); highest among the groups gnomAD compares: Non-Finnish European, 0.00034%; no homozygotes.

Submission:

Labcorp Genetics (formerly Invitae), Labcorp
Classification: Uncertain significance. Last evaluated: 2023-12-09. Review status: criteria provided, single submitter. Criteria: Invitae Variant Classification Sherloc (09022015). Collection method: clinical testing. Allele origin: germline.
Comment: This sequence change replaces proline, which is neutral and non-polar, with serine, which is neutral and polar, at codon 281 of the AEBP1 protein (p.Pro281Ser). This variant is not present in population databases (gnomAD no frequency). This variant has not been reported in the literature in individuals affected with AEBP1-related conditions. An algorithm developed to predict the effect of missense changes on protein structure and function (PolyPhen-2) suggests that this variant is likely to be tolerated. In summary, the available evidence is currently insufficient to determine the role of this variant in disease. Therefore, it has been classified as a Variant of Uncertain Significance.